The following is an entry in ClinVar:

NM_006767.4(LZTR1):c.2482_2483del (p.Ile828fs)

Gene: LZTR1 (leucine zipper like post translational regulator 1; plus strand). Cytogenetic location: 22q11.21.
Variant type: Deletion.
Coding change: c.2482_2483del on transcript NM_006767.4 (MANE Select); coding-DNA positions 2482 to 2483, 2 bases deleted (AT; older notation c.2482_2483delAT).
Protein change: p.Ile828fs; shifts the reading frame from isoleucine 828.
Molecular consequence: frameshift variant.
Genome position (GRCh38, 1-based): chr22:20,997,307-20,997,308, AT deleted. VCF-style (leftmost placement, unchanged base first): chr22-20997306-CAT-C. GRCh37 (hg19) VCF-style: chr22-21351595-CAT-C.
Other names: short protein forms I828fs.
Identifiers: ClinVar variation 1007037 (VCV001007037.11), dbSNP rs965447702, ClinGen allele CA322274198.

ClinVar aggregate classification (germline): Uncertain significance. Review status: criteria provided, multiple submitters, no conflicts (2 of 4 stars). 2 submissions from 2 submitters: Uncertain significance (2). Last evaluated 2025-09-29.

Conditions:
Hereditary cancer-predisposing syndrome. Also called: Hereditary neoplastic syndrome; Neoplastic Syndromes, Hereditary; Tumor predisposition; Hereditary Cancer Syndrome. Identifiers: Orphanet 140162, MedGen C0027672, MeSH D009386, MONDO:0015356.
Cardiovascular phenotype. Identifiers: MedGen CN230736.

Allele frequency attached by ClinVar (database versions not stated): gnomAD exomes below 0.00001; gnomAD 0.00001; TOPMed 0.00001.

Submissions (2):

Ambry Genetics
Classification: Uncertain significance for Cardiovascular phenotype; Hereditary cancer-predisposing syndrome. Last evaluated: 2025-09-29. Review status: criteria provided, single submitter. Criteria: Ambry Variant Classification Scheme 2023. Collection method: clinical testing. Allele origin: germline.
Comment: The c.2482_2483delAT variant, located in coding exon 21 of the LZTR1 gene, results from a deletion of two nucleotides at nucleotide positions 2482 to 2483, causing a translational frameshift with a predicted alternate stop codon (p.I828Lfs*22). This alteration occurs at the 3' terminus of theLZTR1 gene, is not expected to trigger nonsense-mediated mRNAdecay and results in the elongation of the protein by eight amino acids. This frameshift impacts the last 1.5% of the native protein. The exact functional effect of the altered amino acids is unknown. Based on the available evidence, the clinical significance of this variant remains unclear.

Labcorp Genetics (formerly Invitae), Labcorp
Classification: Uncertain significance. Last evaluated: 2025-05-11. Review status: criteria provided, single submitter. Criteria: Invitae Variant Classification Sherloc (09022015). Collection method: clinical testing. Allele origin: germline.
Comment: This sequence change is expected to alter the c-terminus of the LZTR1 protein (p.Ile828Leufs*22). While this is not anticipated to result in nonsense mediated decay, it is expected to disrupt the last 13 amino acid(s) of the LZTR1 protein and extend the protein by 8 additional amino acid residues. This variant is present in population databases (no rsID available, gnomAD 0.0009%). This variant has not been reported in the literature in individuals affected with LZTR1-related conditions. ClinVar contains an entry for this variant (Variation ID: 1007037). In summary, the available evidence is currently insufficient to determine the role of this variant in disease. Therefore, it has been classified as a Variant of Uncertain Significance.